The following is an entry in ClinVar:

ClinVar aggregate classification (germline): Uncertain significance (1 of 4 stars; one submission).

Conditions:
Emery-Dreifuss muscular dystrophy 4, autosomal dominant (EDMD4). Also called: EMERY-DREIFUSS MUSCULAR DYSTROPHY 4 WITH VARIABLE FEATURES. Identifiers: Orphanet 261, MedGen C2751807, MONDO:0013071, OMIM 612998.

Allele frequency attached by ClinVar (database versions not stated): TOPMed below 0.00001.
gnomAD v4.1: 20 of 1,614,202 alleles (0.0012%); highest among the groups gnomAD compares: Non-Finnish European, 0.0017%; no homozygotes.

Submission:

Baylor Genetics
Classification: Uncertain significance for Emery-Dreifuss muscular dystrophy 4, autosomal dominant. Last evaluated: 2018-04-13. Review status: criteria provided, single submitter. Criteria: ACMG Guidelines, 2015. Collection method: clinical testing. Allele origin: maternal. Affected: yes.
Comment: This variant was determined to be of uncertain significance according to ACMG Guidelines, 2015 [PMID:25741868].

NM_182961.4(SYNE1):c.8882A>G (p.Gln2961Arg)

Genes: SYNE1-AS1 (SYNE1 antisense RNA 1; plus strand), SYNE1 (spectrin repeat containing nuclear envelope protein 1; minus strand). Cytogenetic location: 6q25.2.
Variant type: single nucleotide variant.
Coding change: c.8882A>G on transcript NM_182961.4 (MANE Select); coding-DNA position 8882, A replaced by G.
Protein change: p.Gln2961Arg; replaces glutamine 2961 with arginine.
Molecular consequence: missense variant. On other transcripts: non-coding transcript variant (1).
Genome position (GRCh38, 1-based): chr6:152,381,133, T>C on the plus strand (A>G on the coding strand, the complement: SYNE1 is on the minus strand). VCF-style: chr6-152381133-T-C. GRCh37 (hg19) VCF-style: chr6-152702268-T-C.
Other names: c.8903A>G, p.Gln2968Arg (NM_033071.5); short protein forms Q2961R, Q2968R.
Identifiers: ClinVar variation 1033004 (VCV001033004.1), dbSNP rs1366579684, ClinGen allele CA366144101.
Genomic context (GRCh38, chr6:152,381,133, plus strand): 5'-TGAGCCCAGGTTTTCAGAAGGGCACTGAACTGTTCCAGGGCCTGCTCCAGTTGAGCCACT[T>C]GGCCTGAGAATTCCTGCTCCGAAAGGGCCATCTGGCTGACCAGGTTCTCCAAACAGCTCT-3'
Protein context (NP_892006.3, residues 2951-2971): MALSEQEFSG[Gln2961Arg]VAQLEQALEQ